The following is an entry in ClinVar:

NM_003998.4(NFKB1):c.82C>A (p.Pro28Thr)

Gene: NFKB1 (nuclear factor kappa B subunit 1; plus strand). Cytogenetic location: 4q24.
Variant type: single nucleotide variant.
Coding change: c.82C>A on transcript NM_003998.4 (MANE Select); coding-DNA position 82, C replaced by A.
Protein change: p.Pro28Thr; replaces proline 28 with threonine.
Molecular consequence: missense variant.
Genome position (GRCh38, 1-based): chr4:102,529,878, C>A. VCF-style: chr4-102529878-C-A. GRCh37 (hg19) VCF-style: chr4-103451035-C-A.
Other names: c.82C>A, p.Pro28Thr (NM_001165412.2, NM_001319226.2, NM_001382625.1 and 2 more transcripts); c.43C>A, p.Pro15Thr (NM_001382628.1); short protein forms P15T, P28T.
Identifiers: ClinVar variation 1464149 (VCV001464149.8), dbSNP rs1485949241, ClinGen allele CA357957396.

ClinVar aggregate classification (germline): Uncertain significance (1 of 4 stars; one submission).

Submission:

Labcorp Genetics (formerly Invitae), Labcorp
Classification: Uncertain significance. Last evaluated: 2021-03-10. Review status: criteria provided, single submitter. Criteria: Invitae Variant Classification Sherloc (09022015). Collection method: clinical testing. Allele origin: germline.
Comment: This sequence change replaces proline with threonine at codon 28 of the NFKB1 protein (p.Pro28Thr). The proline residue is moderately conserved and there is a small physicochemical difference between proline and threonine. This variant is not present in population databases (ExAC no frequency). This variant has not been reported in the literature in individuals with NFKB1-related conditions. Algorithms developed to predict the effect of missense changes on protein structure and function output the following: SIFT: "Tolerated"; PolyPhen-2: "Benign"; Align-GVGD: "Class C0". The threonine amino acid residue is found in multiple mammalian species, suggesting that this missense change does not adversely affect protein function. These predictions have not been confirmed by published functional studies and their clinical significance is uncertain. In summary, the available evidence is currently insufficient to determine the role of this variant in disease. Therefore, it has been classified as a Variant of Uncertain Significance.